The following is an entry in ClinVar:

NM_001365999.1(SZT2):c.3550A>C (p.Lys1184Gln)

Gene: SZT2 (SZT2 subunit of KICSTOR complex; plus strand). Cytogenetic location: 1p34.2.
Variant type: single nucleotide variant.
Coding change: c.3550A>C on transcript NM_001365999.1 (MANE Select); coding-DNA position 3550, A replaced by C.
Protein change: p.Lys1184Gln; replaces lysine 1184 with glutamine.
Molecular consequence: missense variant.
Genome position (GRCh38, 1-based): chr1:43,427,397, A>C. VCF-style: chr1-43427397-A-C. GRCh37 (hg19) VCF-style: chr1-43893068-A-C.
Other names: c.3379A>C, p.Lys1127Gln (NM_015284.4); short protein forms K1127Q, K1184Q.
Identifiers: ClinVar variation 1311299 (VCV001311299.10), dbSNP rs778560456, ClinGen allele CA809017.

ClinVar aggregate classification (germline): Uncertain significance. Review status: criteria provided, multiple submitters, no conflicts (2 of 4 stars). 3 submissions from 3 submitters: Uncertain significance (3). Last evaluated 2023-04-11.

Conditions:
Developmental and epileptic encephalopathy, 18 (DEE18). Also called: Early infantile epileptic encephalopathy 18. Identifiers: Orphanet 369894, MedGen C3809624, MONDO:0014201, OMIM 615476.

Allele frequency attached by ClinVar (database versions not stated): ExAC 0.00001; gnomAD 0.00001; gnomAD exomes 0.00001; TOPMed 0.00001.
gnomAD v4.1: 15 of 1,613,846 alleles (0.00093%); highest among the groups gnomAD compares: African/African-American, 0.0013%; no homozygotes.

Submissions (3):

Genome-Nilou Lab
Classification: Uncertain significance for Developmental and epileptic encephalopathy, 18. Last evaluated: 2023-04-11. Review status: criteria provided, single submitter. Criteria: ACMG Guidelines, 2015. Collection method: clinical testing. Allele origin: germline. Affected: no.

Labcorp Genetics (formerly Invitae), Labcorp
Classification: Uncertain significance. Last evaluated: 2022-02-13. Review status: criteria provided, single submitter. Criteria: Invitae Variant Classification Sherloc (09022015). Collection method: clinical testing. Allele origin: germline.
Comment: This variant has not been reported in the literature in individuals affected with SZT2-related conditions. This sequence change replaces lysine, which is basic and polar, with glutamine, which is neutral and polar, at codon 1127 of the SZT2 protein (p.Lys1127Gln). The frequency data for this variant in the population databases is considered unreliable, as metrics indicate poor data quality at this position in the gnomAD database. ClinVar contains an entry for this variant (Variation ID: 1311299). Algorithms developed to predict the effect of missense changes on protein structure and function (SIFT, PolyPhen-2, Align-GVGD) all suggest that this variant is likely to be tolerated. In summary, the available evidence is currently insufficient to determine the role of this variant in disease. Therefore, it has been classified as a Variant of Uncertain Significance.

GeneDx
Classification: Uncertain significance. Last evaluated: 2019-12-23. Review status: criteria provided, single submitter. Criteria: GeneDx Variant Classification Process June 2021. Collection method: clinical testing. Allele origin: germline. Affected: yes.
Comment: Not observed at a significant frequency in large population cohorts (Lek et al., 2016); In silico analysis, which includes protein predictors and evolutionary conservation, supports that this variant does not alter protein structure/function; Has not been previously published as pathogenic or benign to our knowledge